The following is an entry in ClinVar:

ClinVar aggregate classification (germline): Likely pathogenic (0 of 4 stars; one submission).

Conditions:
Developmental and epileptic encephalopathy, 19 (DEE19). Also called: Epileptic encephalopathy, early infantile, 19. Identifiers: Orphanet 33069, MedGen C3810400, MONDO:0014328, OMIM 615744.

Submission:

Rady Children's Institute for Genomic Medicine, Rady Children's Hospital San Diego
Classification: Likely pathogenic for Developmental and epileptic encephalopathy, 19. Last evaluated: 2017-02-02. Review status: no assertion criteria provided. Collection method: clinical testing. Allele origin: de novo. Inheritance: Autosomal dominant inheritance. Affected: yes.
Comment: The c.789G>A (p.Met263Ile) in the GABRA1 gene is a de novo missense variant. A pathogenic variant at the same amino acid position (Met263) has been reported in the literature (PMID: 26918889) This variant was not found in the 1000 Genomes, Exome Variant Server (EVS), and Exome Aggregation Consortium (ExAC) databases. Thus, it is presumed to be rare. The genomic position is highly conserved and in silico algorithms predict the variant to be damaging. Based on the combined evidence, the (p.Met263Ile) variant is classified as a likely pathogenic variant for Epileptic encephalopathy, early infantile, 19.

NM_001127644.2(GABRA1):c.789G>A (p.Met263Ile)

Gene: GABRA1 (gamma-aminobutyric acid type A receptor subunit alpha1; plus strand). Cytogenetic location: 5q34.
Variant type: single nucleotide variant.
Coding change: c.789G>A on transcript NM_001127644.2 (MANE Select); coding-DNA position 789, G replaced by A.
Protein change: p.Met263Ile; replaces methionine 263 with isoleucine.
Molecular consequence: missense variant.
Genome position (GRCh38, 1-based): chr5:161,890,983, G>A. VCF-style: chr5-161890983-G-A. GRCh37 (hg19) VCF-style: chr5-161317989-G-A.
Other names: c.789G>A, p.Met263Ile (NM_000806.5, NM_001127643.2, NM_001127645.2 and 1 more transcripts); short protein forms M263I.
Identifiers: ClinVar variation 402327 (VCV000402327.1), dbSNP rs1060499553, ClinGen allele CA16609707.